The following is an entry in ClinVar:

NM_000379.4(XDH):c.2639A>T (p.Glu880Val)

Gene: XDH (xanthine dehydrogenase; minus strand). Cytogenetic location: 2p23.1.
Variant type: single nucleotide variant.
Coding change: c.2639A>T on transcript NM_000379.4 (MANE Select); coding-DNA position 2639, A replaced by T.
Protein change: p.Glu880Val; replaces glutamic acid 880 with valine.
Molecular consequence: missense variant.
Genome position (GRCh38, 1-based): chr2:31,350,216, T>A on the plus strand (A>T on the coding strand, the complement: XDH is on the minus strand). VCF-style: chr2-31350216-T-A. GRCh37 (hg19) VCF-style: chr2-31573082-T-A.
Other names: short protein forms E880V.
Identifiers: ClinVar variation 2114616 (VCV002114616.4), dbSNP rs2465321464, ClinGen allele CA346501153.

ClinVar aggregate classification (germline): Uncertain significance (1 of 4 stars; one submission).

Conditions:
Xanthinuria type II. Also called: Xanthine dehydrogenase and aldehyde oxidase combined deficiency of; XDH and AOX dual deficiency. Identifiers: Orphanet 3467, Orphanet 93602, MedGen C1863688, MONDO:0011346, OMIM 603592.

Submission:

Labcorp Genetics (formerly Invitae), Labcorp
Classification: Uncertain significance for Xanthinuria type II. Last evaluated: 2022-03-19. Review status: criteria provided, single submitter. Criteria: Invitae Variant Classification Sherloc (09022015). Collection method: clinical testing. Allele origin: germline.
Comment: This sequence change replaces glutamic acid, which is acidic and polar, with valine, which is neutral and non-polar, at codon 880 of the XDH protein (p.Glu880Val). In summary, the available evidence is currently insufficient to determine the role of this variant in disease. Therefore, it has been classified as a Variant of Uncertain Significance. Algorithms developed to predict the effect of missense changes on protein structure and function (SIFT, PolyPhen-2, Align-GVGD) all suggest that this variant is likely to be disruptive. This variant has not been reported in the literature in individuals affected with XDH-related conditions. This variant is not present in population databases (gnomAD no frequency).